The following is an entry in ClinVar:

ClinVar aggregate classification (germline): Likely benign. Review status: criteria provided, multiple submitters, no conflicts (2 of 4 stars). 4 submissions from 4 submitters: Likely benign (3). 1 of the submissions does not count toward it. Last evaluated 2026-08-01.

Conditions:
RHOBTB2-related disorder. Also called: RHOBTB2-related condition.

Allele frequency attached by ClinVar (database versions not stated): 1000 Genomes Project 30x 0.00016; TOPMed 0.00018; 1000 Genomes Project 0.00020; ESP Exome Variant Server 0.00038.
gnomAD v4.1: 704 of 1,613,622 alleles (0.044%); highest among the groups gnomAD compares: Non-Finnish European, 0.056%; no homozygotes.

Submissions (4):

CeGaT Center for Human Genetics Tuebingen
Classification: Likely benign. Last evaluated: 2026-08-01. Review status: criteria provided, single submitter. Criteria: CeGaT Center For Human Genetics Tuebingen Variant Classification Criteria Version 2. Collection method: clinical testing. Allele origin: germline. Affected: yes. Observed: 9 variant alleles.
Comment: RHOBTB2: BP4, BP7

Labcorp Genetics (formerly Invitae), Labcorp
Classification: Likely benign. Last evaluated: 2026-01-26. Review status: criteria provided, single submitter. Criteria: Invitae Variant Classification Sherloc (09022015). Collection method: clinical testing. Allele origin: germline.

Blueprint Genetics
Classification: Likely benign. Last evaluated: 2024-09-17. Review status: criteria provided, single submitter. Criteria: ACMG Guidelines, 2015. Collection method: clinical testing. Allele origin: germline.

PreventionGenetics, part of Exact Sciences
Classification: Likely benign for RHOBTB2-related condition. Last evaluated: 2019-10-28. Review status: no assertion criteria provided. Collection method: clinical testing. Allele origin: germline. Not counted in ClinVar's aggregate classification.
Comment: This variant is classified as likely benign based on ACMG/AMP sequence variant interpretation guidelines (Richards et al. 2015 PMID: 25741868, with internal and published modifications).

NM_015178.3(RHOBTB2):c.396A>T (p.Arg132=)

Gene: RHOBTB2 (Rho related BTB domain containing 2; plus strand). Cytogenetic location: 8p21.3.
Variant type: single nucleotide variant.
Coding change: c.396A>T on transcript NM_015178.3 (MANE Select); coding-DNA position 396, A replaced by T.
Protein change: p.Arg132=; no amino-acid change (arginine 132 retained).
Molecular consequence: synonymous variant.
Genome position (GRCh38, 1-based): chr8:23,006,059, A>T. VCF-style: chr8-23006059-A-T. GRCh37 (hg19) VCF-style: chr8-22863572-A-T.
Other names: c.462A>T (NM_001160036.1); c.462A>T, p.Arg154= (NM_001160036.2); c.417A>T, p.Arg139= (NM_001160037.2); c.396A>T, p.Arg132= (NM_001374791.1).
Identifiers: ClinVar variation 1013023 (VCV001013023.46), dbSNP rs148179064, ClinGen allele CA4672445.